The following is an entry in ClinVar:

NM_014391.3(ANKRD1):c.849+6T>C

Gene: ANKRD1 (ankyrin repeat domain 1; minus strand). Cytogenetic location: 10q23.31.
Variant type: single nucleotide variant.
Coding change: c.849+6T>C on transcript NM_014391.3 (MANE Select); 6 bases into the intron after coding-DNA position 849, T replaced by C.
Molecular consequence: intron variant.
Genome position (GRCh38, 1-based): chr10:90,915,537, A>G on the plus strand (T>C on the coding strand, the complement: ANKRD1 is on the minus strand). VCF-style: chr10-90915537-A-G. GRCh37 (hg19) VCF-style: chr10-92675294-A-G.
Identifiers: ClinVar variation 968925 (VCV000968925.1), dbSNP rs755834899, ClinGen allele CA5598595.

ClinVar aggregate classification (germline): Uncertain significance (1 of 4 stars; one submission).

Conditions:
ANKRD1-related dilated cardiomyopathy. Identifiers: MedGen CN119551.

Allele frequency attached by ClinVar (database versions not stated): gnomAD exomes below 0.00001; ExAC 0.00001.
gnomAD v4.1: 3 of 1,612,494 alleles (0.00019%); highest among the groups gnomAD compares: Admixed American, 0.0017%; no homozygotes.

Submission:

Labcorp Genetics (formerly Invitae), Labcorp
Classification: Uncertain significance for ANKRD1-related dilated cardiomyopathy. Last evaluated: 2019-11-15. Review status: criteria provided, single submitter. Criteria: Invitae Variant Classification Sherloc (09022015). Collection method: clinical testing. Allele origin: germline.
Comment: This sequence change falls in intron 8 of the ANKRD1 gene. It does not directly change the encoded amino acid sequence of the ANKRD1 protein, but it affects a nucleotide within the consensus splice site of the intron. This variant is present in population databases (rs755834899, ExAC 0.009%). This variant has not been reported in the literature in individuals with ANKRD1-related conditions. Nucleotide substitutions within the consensus splice site are a relatively common cause of aberrant splicing (PMID: 17576681, 9536098). Algorithms developed to predict the effect of sequence changes on RNA splicing suggest that this variant may disrupt the consensus splice site, but this prediction has not been confirmed by published transcriptional studies. In summary, the available evidence is currently insufficient to determine the role of this variant in disease. Therefore, it has been classified as a Variant of Uncertain Significance.